The following is an entry in ClinVar:

NM_004336.5(BUB1):c.2686T>A (p.Ser896Thr)

Gene: BUB1 (BUB1 mitotic checkpoint serine/threonine kinase; minus strand). Cytogenetic location: 2q13.
Variant type: single nucleotide variant.
Coding change: c.2686T>A on transcript NM_004336.5 (MANE Select); coding-DNA position 2686, T replaced by A.
Protein change: p.Ser896Thr; replaces serine 896 with threonine.
Molecular consequence: missense variant. On other transcripts: intron variant (1).
Genome position (GRCh38, 1-based): chr2:110,641,404, A>T on the plus strand (T>A on the coding strand, the complement: BUB1 is on the minus strand). VCF-style: chr2-110641404-A-T. GRCh37 (hg19) VCF-style: chr2-111398981-A-T.
Other names: c.2626T>A, p.Ser876Thr (NM_001278616.2); c.2626-212T>A (NM_001278617.2); short protein forms S876T, S896T.
Identifiers: ClinVar variation 2624737 (VCV002624737.2), dbSNP rs2467971180, ClinGen allele CA348089794.

ClinVar aggregate classification (germline): Uncertain significance (1 of 4 stars; one submission).

Submission:

Ambry Genetics
Classification: Uncertain significance. Last evaluated: 2023-06-17. Review status: criteria provided, single submitter. Criteria: Ambry Variant Classification Scheme 2023. Collection method: clinical testing. Allele origin: germline.
Comment: The p.S896T variant (also known as c.2686T>A), located in coding exon 22 of the BUB1 gene, results from a T to A substitution at nucleotide position 2686. The serine at codon 896 is replaced by threonine, an amino acid with similar properties. This amino acid position is conserved. In addition, this alteration is predicted to be tolerated by in silico analysis. Since supporting evidence is limited at this time, the clinical significance of this alteration remains unclear.